The following is an entry in ClinVar:

ClinVar aggregate classification (germline): Uncertain significance (1 of 4 stars; one submission).

Allele frequency attached by ClinVar (database versions not stated): gnomAD exomes below 0.00001; TOPMed below 0.00001.
gnomAD v4.1: 7 of 1,614,062 alleles (0.00043%); highest among the groups gnomAD compares: Non-Finnish European, 0.00059%; no homozygotes.

Submission:

Labcorp Genetics (formerly Invitae), Labcorp
Classification: Uncertain significance. Last evaluated: 2026-01-26. Review status: criteria provided, single submitter. Criteria: Invitae Variant Classification Sherloc (09022015). Collection method: clinical testing. Allele origin: germline.
Comment: This sequence change replaces leucine, which is neutral and non-polar, with isoleucine, which is neutral and non-polar, at codon 622 of the NFKB1 protein (p.Leu622Ile). This variant is not present in population databases (gnomAD no frequency). This variant has not been reported in the literature in individuals affected with NFKB1-related conditions. ClinVar contains an entry for this variant (Variation ID: 1721498). Invitae Evidence Modeling of protein sequence and biophysical properties (such as structural, functional, and spatial information, amino acid conservation, physicochemical variation, residue mobility, and thermodynamic stability) indicates that this missense variant is not expected to disrupt NFKB1 protein function with a negative predictive value of 80%. In summary, the available evidence is currently insufficient to determine the role of this variant in disease. Therefore, it has been classified as a Variant of Uncertain Significance.

NM_003998.4(NFKB1):c.1864C>A (p.Leu622Ile)

Gene: NFKB1 (nuclear factor kappa B subunit 1; plus strand). Cytogenetic location: 4q24.
Variant type: single nucleotide variant.
Coding change: c.1864C>A on transcript NM_003998.4 (MANE Select); coding-DNA position 1864, C replaced by A.
Protein change: p.Leu622Ile; replaces leucine 622 with isoleucine.
Molecular consequence: missense variant.
Genome position (GRCh38, 1-based): chr4:102,606,607, C>A. VCF-style: chr4-102606607-C-A. GRCh37 (hg19) VCF-style: chr4-103527764-C-A.
Other names: c.1861C>A, p.Leu621Ile (NM_001165412.2, NM_001319226.2, NM_001382627.1); c.1864C>A, p.Leu622Ile (NM_001382625.1, NM_001382626.1); c.1822C>A, p.Leu608Ile (NM_001382628.1); short protein forms L608I, L621I, L622I.
Identifiers: ClinVar variation 1721498 (VCV001721498.5), dbSNP rs201559647, ClinGen allele CA357752061.